The following is an entry in ClinVar:

ClinVar aggregate classification (germline): Uncertain significance (1 of 4 stars; one submission).

Conditions:
Cardiovascular phenotype. Identifiers: MedGen CN230736.

Submission:

Ambry Genetics
Classification: Uncertain significance for Cardiovascular phenotype. Last evaluated: 2026-09-11. Review status: criteria provided, single submitter. Criteria: Ambry Variant Classification Scheme 2023. Collection method: clinical testing. Allele origin: germline.
Comment: The p.K447R variant (also known as c.1340A>G), located in coding exon 5 of the PKP2 gene, results from an A to G substitution at nucleotide position 1340. The lysine at codon 447 is replaced by arginine, an amino acid with highly similar properties. This amino acid position is conserved. In addition, this alteration is predicted to be tolerated by in silico analysis. Based on the available evidence, the clinical significance of this variant remains unclear.

NM_001005242.3(PKP2):c.1340A>G (p.Lys447Arg)

Gene: PKP2 (plakophilin 2; minus strand). Cytogenetic location: 12p11.21.
Variant type: single nucleotide variant.
Coding change: c.1340A>G on transcript NM_001005242.3 (MANE Select); coding-DNA position 1340, A replaced by G.
Protein change: p.Lys447Arg; replaces lysine 447 with arginine.
Molecular consequence: missense variant.
Genome position (GRCh38, 1-based): chr12:32,850,804, T>C on the plus strand (A>G on the coding strand, the complement: PKP2 is on the minus strand). VCF-style: chr12-32850804-T-C. GRCh37 (hg19) VCF-style: chr12-33003738-T-C.
Other names: c.1340A>G, p.Lys447Arg (NM_001407155.1, NM_001407156.1, NM_001407157.1 and 2 more transcripts); c.1013A>G, p.Lys338Arg (NM_001407158.1, NM_001407159.1, NM_001407160.1 and 1 more transcripts); short protein forms K338R, K447R.
Identifiers: ClinVar variation 2310140 (VCV002310140.3), dbSNP rs2541285970, ClinGen allele CA384369804.